The following is an entry in ClinVar:

NM_004360.5(CDH1):c.462A>G (p.Arg154=)

Gene: CDH1 (cadherin 1; plus strand). Cytogenetic location: 16q22.1.
Variant type: single nucleotide variant.
Coding change: c.462A>G on transcript NM_004360.5 (MANE Select); coding-DNA position 462, A replaced by G.
Protein change: p.Arg154=; no amino-acid change (arginine 154 retained).
Molecular consequence: synonymous variant. On other transcripts: 5 prime UTR variant (2).
Genome position (GRCh38, 1-based): chr16:68,808,498, A>G. VCF-style: chr16-68808498-A-G. GRCh37 (hg19) VCF-style: chr16-68842401-A-G.
Other names: c.462A>G (LRG_301t1, NM_004360.4); c.462A>G, p.Arg154= (NM_001317184.2); c.-1154A>G (NM_001317185.2); c.-1358A>G (NM_001317186.2).
Identifiers: ClinVar variation 377637 (VCV000377637.21), dbSNP rs1057520261, ClinGen allele CA16607049.

ClinVar aggregate classification (germline): Conflicting classifications of pathogenicity. Review status: criteria provided, conflicting classifications (1 of 4 stars). 6 submissions from 6 submitters: Uncertain significance (2); Benign (1); Likely benign (3). Last evaluated 2025-11-25.

Conditions:
Hereditary cancer-predisposing syndrome. Also called: Hereditary neoplastic syndrome; Tumor predisposition; Neoplastic Syndromes, Hereditary; Hereditary Cancer Syndrome. Identifiers: Orphanet 140162, MedGen C0027672, MeSH D009386, MONDO:0015356.
Hereditary diffuse gastric adenocarcinoma (HDGC). Also called: DIFFUSE GASTRIC AND LOBULAR BREAST CANCER SYNDROME. Identifiers: Orphanet 26106, MedGen C1708349, MONDO:0007648, OMIM 137215.

Allele frequency attached by ClinVar (database versions not stated): gnomAD 0.00001; TOPMed 0.00002; gnomAD exomes below 0.00001.
gnomAD v4.1: 8 of 1,614,022 alleles (0.0005%); highest among the groups gnomAD compares: East Asian, 0.0045%; no homozygotes.

Submissions (6):

Labcorp Genetics (formerly Invitae), Labcorp
Classification: Likely benign for Hereditary diffuse gastric adenocarcinoma. Last evaluated: 2025-11-25. Review status: criteria provided, single submitter. Criteria: Invitae Variant Classification Sherloc (09022015). Collection method: clinical testing. Allele origin: germline.

Quest Diagnostics Nichols Institute San Juan Capistrano
Classification: Uncertain significance. Last evaluated: 2025-01-10. Review status: criteria provided, single submitter. Criteria: Quest Diagnostics criteria. Collection method: clinical testing. Allele origin: unknown.
Comment: The CDH1 c.462A>G (p.Arg154=) synonymous variant has not been reported in individuals with CDH1-related conditions in the published literature. The frequency of this variant in the general population (Genome Aggregation Database) is uninformative in the assessment of its pathogenicity. Analysis of this variant using software algorithms for the prediction of the effect of nucleotide changes on splicing yielded predictions that this variant does not affect CDH1 mRNA splicing. Based on the available information, we are unable to determine the clinical significance of this variant.

Myriad Genetics, Inc.
Classification: Benign for Hereditary diffuse gastric adenocarcinoma. Last evaluated: 2024-09-13. Review status: criteria provided, single submitter. Criteria: Myriad Autosomal Dominant, Autosomal Recessive and X-Linked Classification Criteria (2023). Collection method: clinical testing. Allele origin: unknown.
Comment: This variant is considered benign. This variant is a silent/synonymous amino acid change and it is not expected to impact splicing.

Illumina Laboratory Services, Illumina
Classification: Uncertain significance for Hereditary diffuse gastric adenocarcinoma. Last evaluated: 2018-01-13. Review status: criteria provided, single submitter. Criteria: ICSL Variant Classification Criteria 13 December 2019. Collection method: clinical testing. Allele origin: germline.

GeneDx
Classification: Likely benign. Last evaluated: 2017-12-19. Review status: criteria provided, single submitter. Criteria: GeneDx Variant Classification (06012015). Collection method: clinical testing. Allele origin: germline. Affected: yes.
Comment: This variant is considered likely benign or benign based on one or more of the following criteria: it is a conservative change, it occurs at a poorly conserved position in the protein, it is predicted to be benign by multiple in silico algorithms, and/or has population frequency not consistent with disease.

Ambry Genetics
Classification: Likely benign for Hereditary cancer-predisposing syndrome. Last evaluated: 2015-12-18. Review status: criteria provided, single submitter. Criteria: Ambry Variant Classification Scheme 2023. Collection method: clinical testing. Allele origin: germline.